The following is an entry in ClinVar:

NM_001110219.3(GJB6):c.407_434del (p.Tyr136fs)

Gene: GJB6 (gap junction protein beta 6; minus strand). Cytogenetic location: 13q12.11.
Variant type: Deletion.
Coding change: c.407_434del on transcript NM_001110219.3 (MANE Select); coding-DNA positions 407 to 434, 28 bases deleted (ACACCAGCAGCATCTTTTTCCGAATCAT).
Protein change: p.Tyr136fs; shifts the reading frame from tyrosine 136.
Molecular consequence: frameshift variant.
Genome position (GRCh38, 1-based): chr13:20,223,047-20,223,074, ATGATTCGGAAAAAGATGCTGCTGGTGT deleted on the plus strand (ACACCAGCAGCATCTTTTTCCGAATCAT on the coding strand, the reverse complement: GJB6 is on the minus strand); deleting any 28 consecutive bases within chr13:20,223,047-20,223,075 gives the same sequence; the c. name uses the placement nearest the transcript's 3' end. VCF-style (leftmost placement, unchanged base first): chr13-20223046-GATGATTCGGAAAAAGATGCTGCTGGTGT-G. GRCh37 (hg19) VCF-style: chr13-20797185-GATGATTCGGAAAAAGATGCTGCTGGTGT-G.
Other names: c.407_434del, p.Tyr136fs (NM_001110220.3, NM_001110221.3, NM_001370090.1 and 3 more transcripts); short protein forms Y136fs.
Identifiers: ClinVar variation 2504667 (VCV002504667.1), dbSNP rs1566538404, ClinGen allele CA919222302.

ClinVar aggregate classification (germline): Uncertain significance (1 of 4 stars; one submission).

Submission:

GeneDx
Classification: Uncertain significance. Last evaluated: 2022-12-12. Review status: criteria provided, single submitter. Criteria: GeneDx Variant Classification Process June 2021. Collection method: clinical testing. Allele origin: germline. Affected: yes.
Comment: Frameshift variant predicted to result in protein truncation, as the last 126 amino acids are replaced with 22 different amino acids, and other loss-of-function variants have been reported downstream in HGMD; Has not been previously published as pathogenic or benign to our knowledge